The following is an entry in ClinVar:

NM_001378454.1(ALMS1):c.560dup (p.Ser189fs)

Gene: ALMS1 (ALMS1 centrosome and basal body associated protein; plus strand). Cytogenetic location: 2p13.1.
Variant type: Duplication.
Coding change: c.560dup on transcript NM_001378454.1 (MANE Select); coding-DNA position 560, one base duplicated (T; older notation c.560dupT).
Protein change: p.Ser189fs; shifts the reading frame from serine 189.
Molecular consequence: frameshift variant.
Genome position (GRCh38, 1-based): chr2:73,419,232, T duplicated; the last of 2 consecutive T bases (chr2:73,419,231-73,419,232); duplicating either gives the same sequence. VCF-style (leftmost placement, unchanged base first): chr2-73419230-C-CT. GRCh37 (hg19) VCF-style: chr2-73646358-C-CT.
Other names: c.563dup, p.Ser190fs (NM_015120.4); short protein forms S190fs, S189fs.
Identifiers: ClinVar variation 529371 (VCV000529371.8), dbSNP rs1439541639, ClinGen allele CA658795817.

ClinVar aggregate classification (germline): Pathogenic (1 of 4 stars; one submission).

Conditions:
Alstrom syndrome (ALMS). Identifiers: Orphanet 64, MedGen C0268425, MONDO:0008763, OMIM 203800.

Submission:

Labcorp Genetics (formerly Invitae), Labcorp
Classification: Pathogenic for Alstrom syndrome. Last evaluated: 2022-05-21. Review status: criteria provided, single submitter. Criteria: Invitae Variant Classification Sherloc (09022015). Collection method: clinical testing. Allele origin: germline.
Comment: For these reasons, this variant has been classified as Pathogenic. ClinVar contains an entry for this variant (Variation ID: 529371). This variant has not been reported in the literature in individuals affected with ALMS1-related conditions. This variant is not present in population databases (gnomAD no frequency). This sequence change creates a premature translational stop signal (p.Ser190Leufs*32) in the ALMS1 gene. It is expected to result in an absent or disrupted protein product. Loss-of-function variants in ALMS1 are known to be pathogenic (PMID: 17594715).

Literature cited by the submitters: PubMed 17594715.